The following is an entry in ClinVar:

NM_005035.4(POLRMT):c.3268-8C>T

Gene: POLRMT (RNA polymerase mitochondrial; minus strand). Cytogenetic location: 19p13.3.
Variant type: single nucleotide variant.
Coding change: c.3268-8C>T on transcript NM_005035.4 (MANE Select); 8 bases into the intron before coding-DNA position 3268, C replaced by T.
Molecular consequence: intron variant.
Genome position (GRCh38, 1-based): chr19:618,768, G>A on the plus strand (C>T on the coding strand, the complement: POLRMT is on the minus strand). VCF-style: chr19-618768-G-A. GRCh37 (hg19) VCF-style: chr19-618768-G-A.
Other names: c.3226-8C>T (NM_001407813.1, NM_001407811.1); c.3256-8C>T (NM_001407810.1, NM_001407807.1); c.3259-8C>T (NM_001407809.1, NM_001407806.1); c.3043-8C>T (NM_001407832.1, NM_001407830.1); c.3145-8C>T (NM_001407829.1); c.3190-8C>T (NM_001407815.1, NM_001407814.1); c.3229-8C>T (NM_001407812.1); c.3268-8C>T (NM_001407816.1, NM_001407805.1); and 5 more.
Identifiers: ClinVar variation 4820978 (VCV004820978.4).

ClinVar aggregate classification (germline): Likely benign (1 of 4 stars; one submission).

Submission:

CeGaT Center for Human Genetics Tuebingen
Classification: Likely benign. Last evaluated: 2026-09-01. Review status: criteria provided, single submitter. Criteria: CeGaT Center For Human Genetics Tuebingen Variant Classification Criteria Version 2. Collection method: clinical testing. Allele origin: germline. Affected: yes. Observed: 2 variant alleles.
Comment: POLRMT: BP4, BS2